The following is an entry in ClinVar:

NM_016219.5(MAN1B1):c.151T>G (p.Ser51Ala)

Genes: MAN1B1 (mannosidase alpha class 1B member 1; plus strand), LOC130003079 (ATAC-STARR-seq lymphoblastoid silent region 20579; plus strand). Cytogenetic location: 9q34.3.
Variant type: single nucleotide variant.
Coding change: c.151T>G on transcript NM_016219.5 (MANE Select); coding-DNA position 151, T replaced by G.
Protein change: p.Ser51Ala; replaces serine 51 with alanine.
Molecular consequence: missense variant. On other transcripts: non-coding transcript variant (2).
Genome position (GRCh38, 1-based): chr9:137,087,150, T>G. VCF-style: chr9-137087150-T-G. GRCh37 (hg19) VCF-style: chr9-139981602-T-G.
Other names: short protein forms S51A.
Identifiers: ClinVar variation 3364177 (VCV003364177.1).

ClinVar aggregate classification (germline): Uncertain significance (1 of 4 stars; one submission).

Submission:

GeneDx
Classification: Uncertain significance. Last evaluated: 2023-11-12. Review status: criteria provided, single submitter. Criteria: GeneDx Variant Classification Process June 2021. Collection method: clinical testing. Allele origin: germline. Affected: yes.
Comment: Not observed at significant frequency in large population cohorts (gnomAD); In silico analysis supports that this missense variant does not alter protein structure/function; Has not been previously published as pathogenic or benign to our knowledge